The following is an entry in ClinVar:

NM_000051.4(ATM):c.8414T>A (p.Met2805Lys)

Genes: ATM (ATM serine/threonine kinase; plus strand), C11orf65 (chromosome 11 open reading frame 65; minus strand). Cytogenetic location: 11q22.3.
Variant type: single nucleotide variant.
Coding change: c.8414T>A on transcript NM_000051.4 (MANE Select); coding-DNA position 8414, T replaced by A.
Protein change: p.Met2805Lys; replaces methionine 2805 with lysine.
Molecular consequence: missense variant. On other transcripts: intron variant (2).
Genome position (GRCh38, 1-based): chr11:108,343,367, T>A. VCF-style: chr11-108343367-T-A. GRCh37 (hg19) VCF-style: chr11-108214094-T-A.
Other names: c.8414T>A, p.Met2805Lys (NM_001351834.2); c.641-34296A>T (NM_001330368.2); c.695-8075A>T (NM_001351110.2); short protein forms M2805K.
Identifiers: ClinVar variation 3768791 (VCV003768791.1).
Genomic context (GRCh38, chr11:108,343,367, plus strand): 5'-ATGGTGCTCATAAAAGATACAGGCCAAATGATTTCAGTGCCTTTCAGTGCCAAAAGAAAA[T>A]GATGGTGAGTGACACCCAAAATTAAAGGTTATTGTAAGATTATTTAATGGCTTATTAAAG-3'
Protein context (NP_000042.3, residues 2795-2815): DFSAFQCQKK[Met2805Lys]MEVQKKSFEE

ClinVar aggregate classification (germline): Uncertain significance (1 of 4 stars; one submission).

Submission:

Women's Health and Genetics/Laboratory Corporation of America, LabCorp
Classification: Uncertain significance. Last evaluated: 2025-02-03. Review status: criteria provided, single submitter. Criteria: LabCorp Variant Classification Summary - May 2015. Collection method: clinical testing. Allele origin: germline.
Comment: Variant summary: ATM c.8414T>A (p.Met2805Lys) results in a non-conservative amino acid change located in the Catalytic domain of Ataxia Telangiectasia Mutated (IPR044107) of the encoded protein sequence. Four of five in-silico tools predict a damaging effect of the variant on protein function. The variant was absent in 251078 control chromosomes. The available data on variant occurrences in the general population are insufficient to allow any conclusion about variant significance. To our knowledge, no occurrence of c.8414T>A in individuals affected with Breast Cancer and no experimental evidence demonstrating its impact on protein function have been reported. No submitters have cited clinical-significance assessments for this variant to ClinVar. Based on the evidence outlined above, the variant was classified as uncertain significance.